The following is an entry in ClinVar:

ClinVar aggregate classification (germline): Uncertain significance (1 of 4 stars; one submission).

Conditions:
Mosaic variegated aneuploidy syndrome 1 (MVA1). Also called: Warburton-Anyane-Yeboa syndrome. Identifiers: Orphanet 1052, MedGen C1850343, MONDO:0009759, OMIM 257300.

gnomAD v4.1: 2 of 1,612,686 alleles (0.00012%); highest among the groups gnomAD compares: Non-Finnish European, 0.00017%; no homozygotes.

Submission:

Labcorp Genetics (formerly Invitae), Labcorp
Classification: Uncertain significance for Mosaic variegated aneuploidy syndrome 1. Last evaluated: 2021-09-14. Review status: criteria provided, single submitter. Criteria: Invitae Variant Classification Sherloc (09022015). Collection method: clinical testing. Allele origin: germline.
Comment: This sequence change replaces glutamine with arginine at codon 845 of the BUB1B protein (p.Gln845Arg). The glutamine residue is weakly conserved and there is a small physicochemical difference between glutamine and arginine. This variant is present in population databases (rs758774329, ExAC 0.002%). This variant has not been reported in the literature in individuals affected with BUB1B-related conditions. Algorithms developed to predict the effect of missense changes on protein structure and function (SIFT, PolyPhen-2, Align-GVGD) all suggest that this variant is likely to be tolerated. Algorithms developed to predict the effect of sequence changes on RNA splicing suggest that this variant may disrupt the consensus splice site. In summary, the available evidence is currently insufficient to determine the role of this variant in disease. Therefore, it has been classified as a Variant of Uncertain Significance.

NM_001211.6(BUB1B):c.2534A>G (p.Gln845Arg)

Gene: BUB1B (BUB1 mitotic checkpoint serine/threonine kinase B; plus strand). Cytogenetic location: 15q15.1.
Variant type: single nucleotide variant.
Coding change: c.2534A>G on transcript NM_001211.6 (MANE Select); coding-DNA position 2534, A replaced by G.
Protein change: p.Gln845Arg; replaces glutamine 845 with arginine.
Molecular consequence: missense variant.
Genome position (GRCh38, 1-based): chr15:40,212,647, A>G. VCF-style: chr15-40212647-A-G. GRCh37 (hg19) VCF-style: chr15-40504848-A-G.
Other names: short protein forms Q845R.
Identifiers: ClinVar variation 1518432 (VCV001518432.6), dbSNP rs758774329, ClinGen allele CA7476062.